The following is an entry in ClinVar:

NM_000535.7(PMS2):c.2108C>T (p.Thr703Met)

Gene: PMS2 (PMS1 homolog 2, mismatch repair system component; minus strand). Cytogenetic location: 7p22.1.
Variant type: single nucleotide variant.
Coding change: c.2108C>T on transcript NM_000535.7 (MANE Select); coding-DNA position 2108, C replaced by T.
Protein change: p.Thr703Met; replaces threonine 703 with methionine.
Molecular consequence: missense variant. On other transcripts: non-coding transcript variant (1).
Genome position (GRCh38, 1-based): chr7:5,982,890, G>A on the plus strand (C>T on the coding strand, the complement: PMS2 is on the minus strand). VCF-style: chr7-5982890-G-A. GRCh37 (hg19) VCF-style: chr7-6022521-G-A.
Other names: c.1703C>T, p.Thr568Met (NM_001322003.2, NM_001322004.2, NM_001322005.2 and 1 more transcripts); c.1952C>T, p.Thr651Met (NM_001322006.2); c.1790C>T, p.Thr597Met (NM_001322007.2, NM_001322008.2); c.1547C>T, p.Thr516Met (NM_001322010.2); c.1175C>T, p.Thr392Met (NM_001322011.2, NM_001322012.2); c.1535C>T, p.Thr512Met (NM_001322013.2); c.2108C>T, p.Thr703Met (NM_001322014.2); c.1799C>T, p.Thr600Met (NM_001322015.2); short protein forms T703M, T516M, T568M, T597M, T392M, T651M, T512M, T600M.
Identifiers: ClinVar variation 127773 (VCV000127773.47), dbSNP rs370196722, ClinGen allele CA010829.

ClinVar aggregate classification (germline): Conflicting classifications of pathogenicity. Review status: criteria provided, conflicting classifications (1 of 4 stars). 17 submissions from 17 submitters: Uncertain significance (12); Benign (1); Likely benign (3). 1 of the submissions does not count toward it. Last evaluated 2026-07-25.

Conditions:
Lynch syndrome 4 (LYNCH4). Also called: Colorectal cancer, hereditary nonpolyposis, type 4; Hereditary non-polyposis colorectal cancer, type 4. Identifiers: Orphanet 144, MedGen C1838333, MONDO:0013699, OMIM 614337. Disease mechanism: loss of function.
Mismatch repair cancer syndrome 4. Identifiers: MedGen C5436817, MONDO:0030843, OMIM 619101.
PMS2-related disorder. Also called: PMS2-related condition.
Hereditary nonpolyposis colorectal neoplasms. Identifiers: MedGen C0009405, MeSH D003123.
Hereditary cancer-predisposing syndrome. Also called: Neoplastic Syndromes, Hereditary; Tumor predisposition; Hereditary Cancer Syndrome; Hereditary neoplastic syndrome. Identifiers: Orphanet 140162, MedGen C0027672, MeSH D009386, MONDO:0015356.
Lynch syndrome. Identifiers: Orphanet 144, MedGen C4552100, MONDO:0005835. Disease mechanism: loss of function.

Allele frequency attached by ClinVar (database versions not stated): gnomAD exomes 0.00006; ExAC 0.00010; gnomAD 0.00014 and 0.00016; TOPMed 0.00015; ESP Exome Variant Server 0.00039.
gnomAD v4.1: 72 of 1,603,202 alleles (0.0045%); highest among the groups gnomAD compares: African/African-American, 0.062%; no homozygotes.

Submissions 1 to 12 of 17:

PreventionGenetics, part of Exact Sciences
Classification: Uncertain significance for PMS2-related condition. Last evaluated: 2026-07-25. Review status: criteria provided, single submitter. Criteria: ACMG Guidelines, 2015. Collection method: clinical testing. Allele origin: germline.
Comment: The PMS2 c.2108C>T variant is predicted to result in the amino acid substitution p.Thr703Met. This variant has been reported in at least one individual suspected of having Lynch syndrome (Supp. Table 2, Yurgelun et al. 2015. PubMed ID: 25980754). This variant is reported in 0.080% of alleles in individuals of African descent in gnomAD, which may be too common to be a primary cause of disease. This variant has conflicting interpretations of pathogenicity in ClinVar ranging from benign to uncertain (Variation ID: 127773). Although we suspect this variant may be benign, at this time, the clinical significance of this variant is uncertain due to the absence of conclusive functional and genetic evidence.

Labcorp Genetics (formerly Invitae), Labcorp
Classification: Benign for Hereditary nonpolyposis colorectal neoplasms. Last evaluated: 2026-01-28. Review status: criteria provided, single submitter. Criteria: Invitae Variant Classification Sherloc (09022015). Collection method: clinical testing. Allele origin: germline.

Center for Genomic Medicine, Rigshospitalet, Copenhagen University Hospital
Classification: Uncertain significance. Last evaluated: 2025-12-29. Review status: criteria provided, single submitter. Criteria: ACMG Guidelines, 2015. Collection method: clinical testing. Allele origin: germline.
Comment: Classification criteria: BS1

ARUP Laboratories, Molecular Genetics and Genomics, ARUP Laboratories
Classification: Likely benign. Last evaluated: 2025-06-10. Review status: criteria provided, single submitter. Criteria: ARUP Molecular Germline Variant Investigation Process 2024. Collection method: clinical testing. Allele origin: germline.

GeneDx
Classification: Uncertain significance. Last evaluated: 2025-05-13. Review status: criteria provided, single submitter. Criteria: GeneDx Variant Classification Process June 2021. Collection method: clinical testing. Allele origin: germline. Affected: yes.
Comment: Observed in patients with a Lynch syndrome-associated cancer and/or polyps as well as in patients with a personal or family history of breast or ovarian cancer (PMID: 25980754, 37534630, 39541563, 38566764); Co-occurred with a pathogenic variant in PMS2 in an individual who did not have features of CMMRD, however it is unclear if these variants were in cis or trans (PMID: 39334433); In silico analysis supports that this missense variant has a deleterious effect on protein structure/function; This variant is associated with the following publications: (PMID: 31159747, 22949387, 37534630, 25980754, 39541563, 39334433, 18619468, Fukui2011[Chapter], 38566764)

Color Diagnostics, LLC DBA Color Health
Classification: Uncertain significance for Hereditary cancer-predisposing syndrome. Last evaluated: 2025-02-05. Review status: criteria provided, single submitter. Criteria: ACMG Guidelines, 2015. Collection method: clinical testing. Allele origin: germline.
Comment: This missense variant replaces threonine with methionine at codon 703 of the PMS2 protein. Computational prediction is inconclusive regarding the impact of this variant on protein structure and function (internally defined REVEL score threshold 0.5 < inconclusive < 0.7, PMID: 27666373). To our knowledge, functional studies have not been reported for this variant. This variant has been reported in an individual affected with a Lynch syndrome-associated disease and/or colorectal polyps (PMID: 25980754), in an individual affected with adenoma and melanoma (PMID: 37534630), as well as in a cohort of individuals undergoing hereditary cancer screening (PMID: 31159747). This variant has been identified in 72/1603202 chromosomes in the general population by the Genome Aggregation Database (gnomAD). However, this observed allele frequency is not considered reliable since the gnomAD dataset does not disambiguate possible interference from homologous sequence in the PMS2CL pseudogene. The available evidence is insufficient to determine the role of this variant in disease conclusively. Therefore, this variant is classified as a Variant of Uncertain Significance.

Quest Diagnostics Nichols Institute San Juan Capistrano
Classification: Uncertain significance. Last evaluated: 2025-01-17. Review status: criteria provided, single submitter. Criteria: Quest Diagnostics criteria. Collection method: clinical testing. Allele origin: unknown.
Comment: The PMS2 c.2108C>T (p.Thr703Met) variant has been reported in the published literature in individuals with Lynch syndrome-related cancers (PMID: 37534630 (2023), 25980754 (2015)), as well as individuals with a personal and/or family history of breast and/or ovarian cancer (PMID: 39541563 (2024), 31159747 (2019)). The frequency of this variant in the general population (Genome Aggregation Database) is higher than would generally be expected for pathogenic variants in this gene. Analysis of this variant using bioinformatics tools for the prediction of the effect of amino acid changes on protein structure and function yielded predictions that this variant is damaging. Based on the available information, we are unable to determine the clinical significance of this variant.

Women's Health and Genetics/Laboratory Corporation of America, LabCorp
Classification: Likely benign. Last evaluated: 2024-12-23. Review status: criteria provided, single submitter. Criteria: LabCorp Variant Classification Summary - May 2015. Collection method: clinical testing. Allele origin: germline.
Comment: Variant summary: PMS2 c.2108C>T (p.Thr703Met) results in a non-conservative amino acid change located in the C-terminal dimerisation domain (IPR014790) of the encoded protein sequence. Five of five in-silico tools predict a damaging effect of the variant on protein function. The variant allele was found at a frequency of 5.8e-05 in 223266 control chromosomes, predominantly at a frequency of 0.00086 within the African or African-American subpopulation in the gnomAD database. The observed variant frequency within African or African-American control individuals in the gnomAD database is approximately 7.5 fold of the estimated maximal expected allele frequency for a pathogenic variant in PMS2 causing Lynch Syndrome phenotype (0.00011). However, this observation needs to be cautiously considered since sequence alignment analysis suggests that the variant lies within a region of the gene that has high homology with the PMS2 pseudogene. c.2108C>T has been reported in the literature in individuals who underwent genetic testing for Lynch Syndrome or hereditary breast and ovarian cancer (Yurgelun_2015, Tsaousis_2019, Martin_2024, Bouras_2024, Sjursen_2024). These report(s) do not provide unequivocal conclusions about association of the variant with Lynch Syndrome. This variant has been reported in one patient who carries a pathogenic PMS2 variant but not affected with Constitutional Mismatch Repair Deficiency, suggesting the variant may be benign (Sjursen_2024). To our knowledge, no experimental evidence demonstrating an impact on protein function has been reported. The following publications have been ascertained in the context of this evaluation (PMID: 37534630, 38566764, 39334433, 31159747, 25980754). ClinVar contains an entry for this variant (Variation ID: 127773). Based on the evidence outlined above, the variant was classified as likely benign.

Department of Pathology and Laboratory Medicine, Sinai Health System
Classification: Uncertain significance for Lynch syndrome. Last evaluated: 2024-11-29. Review status: criteria provided, single submitter. Criteria: ACMG Guidelines, 2015. Collection method: clinical testing. Allele origin: germline. Affected: yes.

Fulgent Genetics
Classification: Uncertain significance for Lynch syndrome 4; Mismatch repair cancer syndrome 4. Last evaluated: 2024-06-13. Review status: criteria provided, single submitter. Criteria: ACMG Guidelines, 2015. Collection method: clinical testing. Allele origin: germline.

Baylor Genetics
Classification: Uncertain significance for Lynch syndrome 4. Last evaluated: 2024-03-17. Review status: criteria provided, single submitter. Criteria: ACMG Guidelines, 2015. Collection method: clinical testing. Allele origin: unknown.

Myriad Genetics, Inc.
Classification: Uncertain significance for Lynch syndrome 4. Last evaluated: 2023-04-05. Review status: criteria provided, single submitter. Criteria: Myriad Autosomal Dominant, Autosomal Recessive and X-Linked Classification Criteria (2023). Collection method: clinical testing. Allele origin: unknown.
Comment: This variant is classified as a variant of uncertain significance as there is insufficient evidence to determine its impact on protein function and/or cancer risk.